The following is an entry in ClinVar:

ClinVar aggregate classification (germline): Likely benign. Review status: criteria provided, multiple submitters, no conflicts (2 of 4 stars). 2 submissions from 2 submitters: Likely benign (2). Last evaluated 2024-12-01.

Conditions:
Dilated cardiomyopathy 1G (CMD1G). Identifiers: Orphanet 154, MedGen C1858763, MONDO:0011400, OMIM 604145.
Autosomal recessive limb-girdle muscular dystrophy type 2J (LGMDR10). Also called: Limb-girdle muscular dystrophy, type 2J; MUSCULAR DYSTROPHY, LIMB-GIRDLE, AUTOSOMAL RECESSIVE 10. Identifiers: Orphanet 140922, MedGen C1837342, MONDO:0012127, OMIM 608807.

Allele frequency attached by ClinVar (database versions not stated): gnomAD exomes below 0.00001.
gnomAD v4.1: 1 of 1,613,718 alleles (0.000062%); highest among the groups gnomAD compares: Non-Finnish European, 0.000085%; no homozygotes.

Submissions (2):

CeGaT Center for Human Genetics Tuebingen
Classification: Likely benign. Last evaluated: 2024-12-01. Review status: criteria provided, single submitter. Criteria: CeGaT Center For Human Genetics Tuebingen Variant Classification Criteria Version 2. Collection method: clinical testing. Allele origin: germline. Affected: yes. Observed: 1 variant allele.
Comment: TTN: BP4, BP7

Labcorp Genetics (formerly Invitae), Labcorp
Classification: Likely benign for Dilated cardiomyopathy 1G; Autosomal recessive limb-girdle muscular dystrophy type 2J. Last evaluated: 2024-09-23. Review status: criteria provided, single submitter. Criteria: Invitae Variant Classification Sherloc (09022015). Collection method: clinical testing. Allele origin: germline.

NM_001267550.2(TTN):c.11733C>T (p.Ser3911=)

Gene: TTN (titin; minus strand). Cytogenetic location: 2q31.2.
Variant type: single nucleotide variant.
Coding change: c.11733C>T on transcript NM_001267550.2 (MANE Select); coding-DNA position 11733, C replaced by T.
Protein change: p.Ser3911=; no amino-acid change (serine 3911 retained).
Molecular consequence: synonymous variant. On other transcripts: intron variant (1).
Genome position (GRCh38, 1-based): chr2:178,741,500, G>A on the plus strand (C>T on the coding strand, the complement: TTN is on the minus strand). VCF-style: chr2-178741500-G-A. GRCh37 (hg19) VCF-style: chr2-179606227-G-A.
Other names: c.10782C>T, p.Ser3594= (NM_001256850.1); c.10644C>T, p.Ser3548= (NM_003319.4); c.11019C>T, p.Ser3673= (NM_133432.3); c.11220C>T, p.Ser3740= (NM_133437.4); c.10361-3140C>T (NM_133378.4).
Identifiers: ClinVar variation 2932766 (VCV002932766.16), dbSNP rs1267643090, ClinGen allele CA430296507.